The following is an entry in ClinVar:

ClinVar aggregate classification (germline): Likely benign (1 of 4 stars; one submission).

Conditions:
Familial cancer of breast. Also called: Hereditary breast cancer; hereditary breast carcinoma; BREAST CANCER, FAMILIAL. Identifiers: Orphanet 227535, MedGen C0346153, MONDO:0016419, OMIM 114480. Disease mechanism: loss of function.

Submission:

Myriad Genetics, Inc.
Classification: Likely benign for Familial cancer of breast. Last evaluated: 2025-01-09. Review status: criteria provided, single submitter. Criteria: Myriad Autosomal Dominant, Autosomal Recessive and X-Linked Classification Criteria (2023). Collection method: clinical testing. Allele origin: unknown.
Comment: This variant is considered likely benign. This variant is intronic and is not expected to impact mRNA splicing.

NM_024675.4(PALB2):c.212-18del

Gene: PALB2 (partner and localizer of BRCA2; minus strand). Cytogenetic location: 16p12.2.
Variant type: Deletion.
Coding change: c.212-18del on transcript NM_024675.4 (MANE Select); 18 bases into the intron before coding-DNA position 212, one base deleted (C; older notation c.212-18delC).
Molecular consequence: intron variant.
Genome position (GRCh38, 1-based): chr16:23,636,352, G deleted on the plus strand (C on the coding strand, the reverse complement: PALB2 is on the minus strand). VCF-style (leftmost placement, unchanged base first): chr16-23636351-TG-T. GRCh37 (hg19) VCF-style: chr16-23647672-TG-T.
Other names: c.212-18del (NM_001407298.1, NM_001407300.1, NM_001407299.1 and 3 more transcripts); c.-674-18del (NM_001407307.1, NM_001407309.1, NM_001407311.1 and 5 more transcripts); c.48+4758del (NM_001407314.1); c.-105+4758del (NM_001407313.1, NM_001407312.1); c.152-18del (NM_001407296.1).
Identifiers: ClinVar variation 3904240 (VCV003904240.1).